The following is an entry in ClinVar:

NM_001077653.2(TBX20):c.574A>G (p.Thr192Ala)

Gene: TBX20 (T-box transcription factor 20; minus strand). Cytogenetic location: 7p14.2.
Variant type: single nucleotide variant.
Coding change: c.574A>G on transcript NM_001077653.2 (MANE Select); coding-DNA position 574, A replaced by G.
Protein change: p.Thr192Ala; replaces threonine 192 with alanine.
Molecular consequence: missense variant.
Genome position (GRCh38, 1-based): chr7:35,245,029, T>C on the plus strand (A>G on the coding strand, the complement: TBX20 is on the minus strand). VCF-style: chr7-35245029-T-C. GRCh37 (hg19) VCF-style: chr7-35284641-T-C.
Other names: c.574A>G, p.Thr192Ala (NM_001166220.1); short protein forms T192A.
Identifiers: ClinVar variation 2100842 (VCV002100842.4), dbSNP rs901847623, ClinGen allele CA156928449.

ClinVar aggregate classification (germline): Uncertain significance (1 of 4 stars; one submission).

Allele frequency attached by ClinVar (database versions not stated): gnomAD exomes below 0.00001; gnomAD 0.00001; TOPMed 0.00002.
gnomAD v4.1: 2 of 1,613,544 alleles (0.00012%); highest among the groups gnomAD compares: Non-Finnish European, 0.00017%; no homozygotes.

Submission:

Labcorp Genetics (formerly Invitae), Labcorp
Classification: Uncertain significance. Last evaluated: 2022-02-21. Review status: criteria provided, single submitter. Criteria: Invitae Variant Classification Sherloc (09022015). Collection method: clinical testing. Allele origin: germline.
Comment: Algorithms developed to predict the effect of missense changes on protein structure and function are either unavailable or do not agree on the potential impact of this missense change (SIFT: "Deleterious"; PolyPhen-2: "Benign"; Align-GVGD: "Class C0"). In summary, the available evidence is currently insufficient to determine the role of this variant in disease. Therefore, it has been classified as a Variant of Uncertain Significance. This variant has not been reported in the literature in individuals affected with TBX20-related conditions. This sequence change replaces threonine, which is neutral and polar, with alanine, which is neutral and non-polar, at codon 192 of the TBX20 protein (p.Thr192Ala). This variant is not present in population databases (gnomAD no frequency).